The following is an entry in ClinVar:

NM_000059.4(BRCA2):c.10163C>A (p.Thr3388Lys)

Gene: BRCA2 (BRCA2 DNA repair associated; plus strand). Cytogenetic location: 13q13.1.
Variant type: single nucleotide variant.
Coding change: c.10163C>A on transcript NM_000059.4 (MANE Select); coding-DNA position 10163, C replaced by A.
Protein change: p.Thr3388Lys; replaces threonine 3388 with lysine.
Molecular consequence: missense variant.
Genome position (GRCh38, 1-based): chr13:32,398,676, C>A. VCF-style: chr13-32398676-C-A. GRCh37 (hg19) VCF-style: chr13-32972813-C-A.
Other names: short protein forms T3388K.
Identifiers: ClinVar variation 628643 (VCV000628643.11), dbSNP rs1431008455, ClinGen allele CA387768204.

ClinVar aggregate classification (germline): Conflicting classifications of pathogenicity. Review status: criteria provided, conflicting classifications (1 of 4 stars). 3 submissions from 3 submitters: Uncertain significance (1); Likely benign (2). Last evaluated 2024-09-18.

Conditions:
Hereditary cancer-predisposing syndrome. Also called: Neoplastic Syndromes, Hereditary; Tumor predisposition; Hereditary neoplastic syndrome; Hereditary Cancer Syndrome. Identifiers: Orphanet 140162, MedGen C0027672, MeSH D009386, MONDO:0015356.
Hereditary breast ovarian cancer syndrome. Also called: Hereditary breast and ovarian cancer syndrome; Hereditary breast and ovarian cancer; Hereditary breast and ovarian cancer syndrome (HBOC); Breast and ovarian cancer; Hereditary breast and/or ovarian cancer syndrome; BRCA1- and BRCA2-Associated Hereditary Breast and Ovarian Cancer. Identifiers: Orphanet 145, MedGen C0677776, MeSH D061325, MONDO:0003582. Disease mechanism: loss of function.

Allele frequency attached by ClinVar (database versions not stated): gnomAD exomes below 0.00001.
gnomAD v4.1: 1 of 1,614,160 alleles (0.000062%); highest among the groups gnomAD compares: East Asian, 0.0022%; no homozygotes.

Submissions (3):

Ambry Genetics
Classification: Likely benign for Hereditary cancer-predisposing syndrome. Last evaluated: 2024-09-18. Review status: criteria provided, single submitter. Criteria: Ambry Variant Classification Scheme 2023. Collection method: clinical testing. Allele origin: germline.

Labcorp Genetics (formerly Invitae), Labcorp
Classification: Uncertain significance for Hereditary breast ovarian cancer syndrome. Last evaluated: 2022-05-16. Review status: criteria provided, single submitter. Criteria: Invitae Variant Classification Sherloc (09022015). Collection method: clinical testing. Allele origin: germline.
Comment: In summary, the available evidence is currently insufficient to determine the role of this variant in disease. Therefore, it has been classified as a Variant of Uncertain Significance. Advanced modeling of protein sequence and biophysical properties (such as structural, functional, and spatial information, amino acid conservation, physicochemical variation, residue mobility, and thermodynamic stability) performed at Invitae indicates that this missense variant is not expected to disrupt BRCA2 protein function. ClinVar contains an entry for this variant (Variation ID: 628643). This variant has not been reported in the literature in individuals affected with BRCA2-related conditions. This variant is present in population databases (no rsID available, gnomAD 0.006%). This sequence change replaces threonine, which is neutral and polar, with lysine, which is basic and polar, at codon 3388 of the BRCA2 protein (p.Thr3388Lys).

Color Diagnostics, LLC DBA Color Health
Classification: Likely benign for Hereditary cancer-predisposing syndrome. Last evaluated: 2016-11-04. Review status: criteria provided, single submitter. Criteria: ACMG Guidelines, 2015. Collection method: clinical testing. Allele origin: germline.